The following is an entry in ClinVar:

NM_015602.4(TOR1AIP1):c.323C>G (p.Ser108Cys)

Genes: TOR1AIP1 (torsin 1A interacting protein 1; plus strand), LOC112577517 (Sharpr-MPRA regulatory region 13766; plus strand). Cytogenetic location: 1q25.2.
Variant type: single nucleotide variant.
Coding change: c.323C>G on transcript NM_015602.4 (MANE Select); coding-DNA position 323, C replaced by G.
Protein change: p.Ser108Cys; replaces serine 108 with cysteine.
Molecular consequence: missense variant.
Genome position (GRCh38, 1-based): chr1:179,882,825, C>G. VCF-style: chr1-179882825-C-G. GRCh37 (hg19) VCF-style: chr1-179851960-C-G.
Other names: c.323C>G, p.Ser108Cys (NM_001267578.2); c.323C>G (NM_015602.2); short protein forms S108C.
Identifiers: ClinVar variation 1704523 (VCV001704523.2), dbSNP rs1347375251, ClinGen allele CA343578075.

ClinVar aggregate classification (germline): Uncertain significance. Review status: criteria provided, multiple submitters, no conflicts (2 of 4 stars). 2 submissions from 2 submitters: Uncertain significance (2). Last evaluated 2026-02-25.

Conditions:
Inborn genetic diseases. Identifiers: MedGen C0950123, MeSH D030342.

Allele frequency attached by ClinVar (database versions not stated): gnomAD exomes 0.00001.
gnomAD v4.1: 3 of 1,614,210 alleles (0.00019%); highest among the groups gnomAD compares: Non-Finnish European, 0.00025%; no homozygotes.

Submissions (2):

Ambry Genetics
Classification: Uncertain significance for Inborn genetic diseases. Last evaluated: 2026-02-25. Review status: criteria provided, single submitter. Criteria: Ambry Variant Classification Scheme 2023. Collection method: clinical testing. Allele origin: germline.

Women's Health and Genetics/Laboratory Corporation of America, LabCorp
Classification: Uncertain significance. Last evaluated: 2022-07-08. Review status: criteria provided, single submitter. Criteria: LabCorp Variant Classification Summary - May 2015. Collection method: clinical testing. Allele origin: germline.
Comment: Variant summary: TOR1AIP1 c.323C>G (p.Ser108Cys) results in a non-conservative amino acid change in the encoded protein sequence. Four of five in-silico tools predict a damaging effect of the variant on protein function. The variant was absent in 251390 control chromosomes (gnomAD). The available data on variant occurrences in the general population are insufficient to allow any conclusion about variant significance. To our knowledge, no occurrence of c.323C>G in individuals affected with Autosomal Recessive Limb-Girdle Muscular Dystrophy Type 2Y and no experimental evidence demonstrating its impact on protein function have been reported. No clinical diagnostic laboratories have submitted clinical-significance assessments for this variant to ClinVar after 2014. Based on the evidence outlined above, the variant was classified as uncertain significance.